The following is an entry in ClinVar:

ClinVar aggregate classification (germline): Benign/Likely benign. Review status: criteria provided, multiple submitters, no conflicts (2 of 4 stars). 13 submissions from 11 submitters: Benign (9); Likely benign (1). 3 of the submissions do not count toward it. Last evaluated 2026-01-27.

Conditions:
Greig cephalopolysyndactyly syndrome (GCPS). Also called: POLYSYNDACTYLY WITH PECULIAR SKULL SHAPE; Greig syndrome; GLI3-Related Greig Cephalopolysyndactyly Syndrome. Identifiers: Orphanet 380, MedGen C0265306, MONDO:0008287, OMIM 175700.
Pallister-Hall syndrome (PHS). Also called: GLI3-Related Pallister-Hall Syndrome; HYPOTHALAMIC HAMARTOBLASTOMA, HYPOPITUITARISM, IMPERFORATE ANUS, AND POSTAXIAL POLYDACTYLY. Identifiers: Orphanet 672, MedGen C0265220, MONDO:0007804, OMIM 146510.
Polydactyly. Also called: polydactylism. Identifiers: MedGen C0152427, MONDO:0021003, OMIM 603596, HP:0010442.

Allele frequency attached by ClinVar (database versions not stated): 1000 Genomes Project 0.00839; 1000 Genomes Project 30x 0.00874; ESP Exome Variant Server 0.01371; gnomAD 0.01807 and 0.01858; TOPMed 0.01864; gnomAD exomes 0.01953 and 0.02596; ExAC 0.02120.
gnomAD v4.1: 40,487 of 1,608,778 alleles (2.5%); highest among the groups gnomAD compares: Middle Eastern, 2.9%; 598 homozygotes.

Submissions (13):

Labcorp Genetics (formerly Invitae), Labcorp
Classification: Benign for Pallister-Hall syndrome; Greig cephalopolysyndactyly syndrome. Last evaluated: 2026-01-27. Review status: criteria provided, single submitter. Criteria: Invitae Variant Classification Sherloc (09022015). Collection method: clinical testing. Allele origin: germline.

Blueprint Genetics
Classification: Likely benign. Last evaluated: 2024-11-27. Review status: criteria provided, single submitter. Criteria: ACMG Guidelines, 2015. Collection method: clinical testing. Allele origin: germline.

ARUP Laboratories, Molecular Genetics and Genomics, ARUP Laboratories
Classification: Benign. Last evaluated: 2023-11-29. Review status: criteria provided, single submitter. Criteria: ARUP Molecular Germline Variant Investigation Process 2024. Collection method: clinical testing. Allele origin: germline.

Mayo Clinic Laboratories, Mayo Clinic
Classification: Benign. Last evaluated: 2023-02-13. Review status: criteria provided, single submitter. Criteria: ACMG Guidelines, 2015. Collection method: clinical testing. Allele origin: germline. Observed: 4 variant alleles.
Comment: BS1, BS2, BP4, BP7

Illumina Laboratory Services, Illumina
Classification: Benign for Pallister-Hall syndrome. Last evaluated: 2018-01-13. Review status: criteria provided, single submitter. Criteria: ICSL Variant Classification Criteria 13 December 2019. Collection method: clinical testing. Allele origin: germline.
Comment: This variant was observed in the ICSL laboratory as part of a predisposition screen in an ostensibly healthy population. It had not been previously curated by ICSL or reported in the Human Gene Mutation Database (HGMD: prior to June 1st, 2018), and was therefore a candidate for classification through an automated scoring system. Utilizing variant allele frequency, disease prevalence and penetrance estimates, and inheritance mode, an automated score was calculated to assess if this variant is too frequent to cause the disease. Based on the score and internal cut-off values, a variant classified as benign is not then subjected to further curation. The score for this variant resulted in a classification of benign for this disease.

Illumina Laboratory Services, Illumina
Classification: Benign for Polydactyly. Last evaluated: 2018-01-13. Review status: criteria provided, single submitter. Criteria: ICSL Variant Classification Criteria 13 December 2019. Collection method: clinical testing. Allele origin: germline.
Comment: the same text as in the submission from Illumina Laboratory Services, Illumina above.

Illumina Laboratory Services, Illumina
Classification: Benign for Greig cephalopolysyndactyly syndrome. Last evaluated: 2018-01-13. Review status: criteria provided, single submitter. Criteria: ICSL Variant Classification Criteria 13 December 2019. Collection method: clinical testing. Allele origin: germline.
Comment: the same text as in the submission from Illumina Laboratory Services, Illumina above.

Eurofins Ntd Llc (ga)
Classification: Benign. Last evaluated: 2015-05-20. Review status: criteria provided, single submitter. Criteria: EGL Classification Definitions 2015. Collection method: clinical testing. Allele origin: germline. Observed: 1 variant allele, 1 heterozygote.

GeneDx
Classification: Benign. Last evaluated: 2015-03-03. Review status: criteria provided, single submitter. Criteria: GeneDx Variant Classification Process June 2021. Collection method: clinical testing. Allele origin: germline. Affected: yes.

PreventionGenetics, part of Exact Sciences
Classification: Benign. Review status: criteria provided, single submitter. Criteria: ACMG Guidelines, 2015. Collection method: clinical testing. Allele origin: germline.

Clinical Genetics DNA and cytogenetics Diagnostics Lab, Erasmus MC, Erasmus Medical Center
Classification: Benign. Review status: no assertion criteria provided. Collection method: clinical testing. Allele origin: germline. Affected: yes. Study: VKGL Data-share Consensus. Not counted in ClinVar's aggregate classification.

Diagnostic Laboratory, Department of Genetics, University Medical Center Groningen
Classification: Benign. Review status: no assertion criteria provided. Collection method: clinical testing. Allele origin: germline. Affected: yes. Study: VKGL Data-share Consensus. Not counted in ClinVar's aggregate classification.

Laboratory of Diagnostic Genome Analysis, Leiden University Medical Center (LUMC)
Classification: Likely benign. Review status: no assertion criteria provided. Collection method: clinical testing. Allele origin: germline. Affected: yes. Study: VKGL Data-share Consensus. Not counted in ClinVar's aggregate classification.

NM_000168.6(GLI3):c.2835G>C (p.Leu945=)

Gene: GLI3 (GLI family zinc finger 3; minus strand). Cytogenetic location: 7p14.1.
Variant type: single nucleotide variant.
Coding change: c.2835G>C on transcript NM_000168.6 (MANE Select); coding-DNA position 2835, G replaced by C.
Protein change: p.Leu945=; no amino-acid change (leucine 945 retained).
Molecular consequence: synonymous variant.
Genome position (GRCh38, 1-based): chr7:41,966,238, C>G on the plus strand (G>C on the coding strand, the complement: GLI3 is on the minus strand). VCF-style: chr7-41966238-C-G. GRCh37 (hg19) VCF-style: chr7-42005836-C-G.
Other names: p.Leu945=.
Identifiers: ClinVar variation 194463 (VCV000194463.36), dbSNP rs61758978, ClinGen allele CA201194.